The following is an entry in ClinVar:

NM_004990.4(MARS1):c.1608G>T (p.Trp536Cys)

Gene: MARS1 (methionyl-tRNA synthetase 1; plus strand). Cytogenetic location: 12q13.3.
Variant type: single nucleotide variant.
Coding change: c.1608G>T on transcript NM_004990.4 (MANE Select); coding-DNA position 1608, G replaced by T.
Protein change: p.Trp536Cys; replaces tryptophan 536 with cysteine.
Molecular consequence: missense variant.
Genome position (GRCh38, 1-based): chr12:57,512,076, G>T. VCF-style: chr12-57512076-G-T. GRCh37 (hg19) VCF-style: chr12-57905859-G-T.
Other names: short protein forms W536C.
Identifiers: ClinVar variation 3392700 (VCV003392700.2).

ClinVar aggregate classification (germline): Uncertain significance. Review status: criteria provided, multiple submitters, no conflicts (2 of 4 stars). 2 submissions from 2 submitters: Uncertain significance (2). Last evaluated 2025-09-22.

gnomAD v4.1: 1 of 1,614,036 alleles (0.000062%); highest among the groups gnomAD compares: African/African-American, 0.0013%; no homozygotes.

Submissions (2):

Ambry Genetics
Classification: Uncertain significance. Last evaluated: 2025-09-22. Review status: criteria provided, single submitter. Criteria: Ambry Variant Classification Scheme 2023. Collection method: clinical testing. Allele origin: germline.

GeneDx
Classification: Uncertain significance. Last evaluated: 2024-06-24. Review status: criteria provided, single submitter. Criteria: GeneDx Variant Classification Process June 2021. Collection method: clinical testing. Allele origin: germline. Affected: yes.
Comment: Not observed at significant frequency in large population cohorts (gnomAD); In silico analysis supports that this missense variant has a deleterious effect on protein structure/function; Has not been previously published as pathogenic or benign to our knowledge